The following is an entry in ClinVar:

ClinVar aggregate classification (germline): Uncertain significance (1 of 4 stars; one submission).

Submission:

Labcorp Genetics (formerly Invitae), Labcorp
Classification: Uncertain significance. Last evaluated: 2022-04-26. Review status: criteria provided, single submitter. Criteria: Invitae Variant Classification Sherloc (09022015). Collection method: clinical testing. Allele origin: germline.
Comment: In summary, the available evidence is currently insufficient to determine the role of this variant in disease. Therefore, it has been classified as a Variant of Uncertain Significance. Algorithms developed to predict the effect of missense changes on protein structure and function (SIFT, PolyPhen-2, Align-GVGD) all suggest that this variant is likely to be disruptive. This variant has not been reported in the literature in individuals affected with MUT-related conditions. This variant is not present in population databases (gnomAD no frequency). This sequence change replaces glutamic acid, which is acidic and polar, with glycine, which is neutral and non-polar, at codon 688 of the MUT protein (p.Glu688Gly).

NM_000255.4(MMUT):c.2063A>G (p.Glu688Gly)

Gene: MMUT (methylmalonyl-CoA mutase; minus strand). Cytogenetic location: 6p12.3.
Variant type: single nucleotide variant.
Coding change: c.2063A>G on transcript NM_000255.4 (MANE Select); coding-DNA position 2063, A replaced by G.
Protein change: p.Glu688Gly; replaces glutamic acid 688 with glycine.
Molecular consequence: missense variant.
Genome position (GRCh38, 1-based): chr6:49,435,517, T>C on the plus strand (A>G on the coding strand, the complement: MMUT is on the minus strand). VCF-style: chr6-49435517-T-C. GRCh37 (hg19) VCF-style: chr6-49403230-T-C.
Other names: short protein forms E688G.
Identifiers: ClinVar variation 2104782 (VCV002104782.4), dbSNP rs1349946640, ClinGen allele CA364394439.